The following is an entry in ClinVar:

ClinVar aggregate classification (germline): Conflicting classifications of pathogenicity. Review status: criteria provided, conflicting classifications (1 of 4 stars). 6 submissions from 6 submitters: Uncertain significance (5); Likely benign (1). Last evaluated 2025-10-12.

Conditions:
Hereditary cancer-predisposing syndrome. Also called: Hereditary neoplastic syndrome; Tumor predisposition; Hereditary Cancer Syndrome; Neoplastic Syndromes, Hereditary. Identifiers: Orphanet 140162, MedGen C0027672, MeSH D009386, MONDO:0015356.
Familial cancer of breast. Also called: hereditary breast carcinoma; Hereditary breast cancer; BREAST CANCER, FAMILIAL. Identifiers: Orphanet 227535, MedGen C0346153, MONDO:0016419, OMIM 114480. Disease mechanism: loss of function.

Allele frequency attached by ClinVar (database versions not stated): TOPMed below 0.00001; gnomAD 0.00001.
gnomAD v4.1: 3 of 1,613,938 alleles (0.00019%); highest among the groups gnomAD compares: Non-Finnish European, 0.00025%; no homozygotes.

Submissions (6):

Labcorp Genetics (formerly Invitae), Labcorp
Classification: Uncertain significance for Familial cancer of breast. Last evaluated: 2025-10-12. Review status: criteria provided, single submitter. Criteria: Invitae Variant Classification Sherloc (09022015). Collection method: clinical testing. Allele origin: germline.
Comment: This sequence change replaces glutamic acid, which is acidic and polar, with aspartic acid, which is acidic and polar, at codon 587 of the BARD1 protein (p.Glu587Asp). This variant is not present in population databases (gnomAD no frequency). This variant has not been reported in the literature in individuals affected with BARD1-related conditions. ClinVar contains an entry for this variant (Variation ID: 406743). An algorithm developed to predict the effect of missense changes on protein structure and function outputs the following: PolyPhen-2: "Benign". The aspartic acid amino acid residue is found in multiple mammalian species, which suggests that this missense change does not adversely affect protein function. In summary, the available evidence is currently insufficient to determine the role of this variant in disease. Therefore, it has been classified as a Variant of Uncertain Significance.

Ambry Genetics
Classification: Likely benign for Hereditary cancer-predisposing syndrome. Last evaluated: 2025-04-24. Review status: criteria provided, single submitter. Criteria: Ambry Variant Classification Scheme 2023. Collection method: clinical testing. Allele origin: germline.

Dasa
Classification: Uncertain significance. Last evaluated: 2025-03-11. Review status: criteria provided, single submitter. Criteria: DASA Assertion Criteria. Collection method: clinical testing. Allele origin: germline.
Comment: NM_000465.4(BARD1):c.1761G>C (p.Glu587Asp) is a missense variant that results in the substitution of glutamic acid with aspartic acid. This variant is rare in population databases. Computational prediction algorithms are consistent with a benign effect. The currently available literature and clinical evidence are not sufficient to establish a definitive association between this variant and the reported condition. Therefore, this variant is classified as a variant of uncertain significance.

Women's Health and Genetics/Laboratory Corporation of America, LabCorp
Classification: Uncertain significance. Last evaluated: 2025-02-27. Review status: criteria provided, single submitter. Criteria: LabCorp Variant Classification Summary - May 2015. Collection method: clinical testing. Allele origin: germline.
Comment: Variant summary: BARD1 c.1761G>C (p.Glu587Asp) results in a conservative amino acid change located in the BRCT domain (IPR001357) of the encoded protein sequence. Five of five in-silico tools predict a benign effect of the variant on protein function. The variant was absent in 251336 control chromosomes. The available data on variant occurrences in the general population are insufficient to allow any conclusion about variant significance. To our knowledge, no occurrence of c.1761G>C in individuals affected with Breast Cancer and no experimental evidence demonstrating its impact on protein function have been reported. ClinVar contains an entry for this variant (Variation ID: 406743). Based on the evidence outlined above, the variant was classified as uncertain significance.

Department of Human Genetics, Hannover Medical School
Classification: Uncertain significance for Familial cancer of breast. Last evaluated: 2024-10-09. Review status: criteria provided, single submitter. Criteria: ACMG Guidelines, 2015. Collection method: clinical testing. Allele origin: germline. Affected: yes.
Comment: ACMG: PM2_Supporting, BP4

Color Diagnostics, LLC DBA Color Health
Classification: Uncertain significance for Hereditary cancer-predisposing syndrome. Last evaluated: 2023-08-16. Review status: criteria provided, single submitter. Criteria: ACMG Guidelines, 2015. Collection method: clinical testing. Allele origin: germline.
Comment: This missense variant replaces glutamic acid with aspartic acid at codon 587 of the BARD1 protein. Computational prediction suggests that this variant may not impact protein structure and function (internally defined REVEL score threshold <= 0.5, PMID: 27666373). To our knowledge, functional studies have not been reported for this variant. This variant has not been reported in individuals affected with BARD1-related disorders in the literature. This variant has not been identified in the general population by the Genome Aggregation Database (gnomAD). The available evidence is insufficient to determine the role of this variant in disease conclusively. Therefore, this variant is classified as a Variant of Uncertain Significance.

NM_000465.4(BARD1):c.1761G>C (p.Glu587Asp)

Gene: BARD1 (BRCA1 associated RING domain 1; minus strand). Cytogenetic location: 2q35.
Variant type: single nucleotide variant.
Coding change: c.1761G>C on transcript NM_000465.4 (MANE Select); coding-DNA position 1761, G replaced by C.
Protein change: p.Glu587Asp; replaces glutamic acid 587 with aspartic acid.
Molecular consequence: missense variant. On other transcripts: non-coding transcript variant (3), intron variant (1).
Genome position (GRCh38, 1-based): chr2:214,745,771, C>G on the plus strand (G>C on the coding strand, the complement: BARD1 is on the minus strand). VCF-style: chr2-214745771-C-G. GRCh37 (hg19) VCF-style: chr2-215610495-C-G.
Other names: c.1704G>C, p.Glu568Asp (NM_001282543.2); c.408G>C, p.Glu136Asp (NM_001282545.2); c.351G>C, p.Glu117Asp (NM_001282548.2); c.365-15263G>C (NM_001282549.2); short protein forms E587D, E136D, E568D, E117D.
Identifiers: ClinVar variation 406743 (VCV000406743.25), dbSNP rs1060501284, ClinGen allele CA16610686.